The following is an entry in ClinVar:

ClinVar aggregate classification (germline): Likely benign (1 of 4 stars; one submission).

Conditions:
PKD1-related disorder. Also called: PKD1-related condition.

gnomAD v4.1: 89 of 1,601,370 alleles (0.0056%); highest among the groups gnomAD compares: African/African-American, 0.039%; 3 homozygotes.

Submission:

PreventionGenetics, part of Exact Sciences
Classification: Likely benign for PKD1-related condition. Last evaluated: 2026-02-20. Review status: criteria provided, single submitter. Criteria: ACMG Guidelines, 2015. Collection method: clinical testing. Allele origin: germline.
Comment: This variant is classified as likely benign based on ACMG/AMP sequence variant interpretation guidelines (Richards et al. 2015 PMID: 25741868, with internal and published modifications).

NM_001009944.3(PKD1):c.2010G>A (p.Thr670=)

Gene: PKD1 (polycystin 1, transient receptor potential channel interacting; minus strand). Cytogenetic location: 16p13.3.
Variant type: single nucleotide variant.
Coding change: c.2010G>A on transcript NM_001009944.3 (MANE Select); coding-DNA position 2010, G replaced by A.
Protein change: p.Thr670=; no amino-acid change (threonine 670 retained).
Molecular consequence: synonymous variant.
Genome position (GRCh38, 1-based): chr16:2,115,465, C>T on the plus strand (G>A on the coding strand, the complement: PKD1 is on the minus strand). VCF-style: chr16-2115465-C-T. GRCh37 (hg19) VCF-style: chr16-2165466-C-T.
Other names: c.2010G>A, p.Thr670= (NM_000296.4).
Identifiers: ClinVar variation 4987653 (VCV004987653.1).